The following is an entry in ClinVar:

ClinVar aggregate classification (germline): Uncertain significance (1 of 4 stars; one submission).

gnomAD v4.1: 4 of 1,329,888 alleles (0.0003%); highest among the groups gnomAD compares: Middle Eastern, 0.022%; no homozygotes.

Submission:

Labcorp Genetics (formerly Invitae), Labcorp
Classification: Uncertain significance. Last evaluated: 2024-08-28. Review status: criteria provided, single submitter. Criteria: Invitae Variant Classification Sherloc (09022015). Collection method: clinical testing. Allele origin: germline.
Comment: This sequence change replaces alanine, which is neutral and non-polar, with valine, which is neutral and non-polar, at codon 1490 of the DCHS1 protein (p.Ala1490Val). This variant is not present in population databases (gnomAD no frequency). This variant has not been reported in the literature in individuals affected with DCHS1-related conditions. ClinVar contains an entry for this variant (Variation ID: 1393317). Invitae Evidence Modeling of protein sequence and biophysical properties (such as structural, functional, and spatial information, amino acid conservation, physicochemical variation, residue mobility, and thermodynamic stability) indicates that this missense variant is not expected to disrupt DCHS1 protein function with a negative predictive value of 80%. In summary, the available evidence is currently insufficient to determine the role of this variant in disease. Therefore, it has been classified as a Variant of Uncertain Significance.

NM_003737.4(DCHS1):c.4469C>T (p.Ala1490Val)

Gene: DCHS1 (dachsous cadherin-related 1; minus strand). Cytogenetic location: 11p15.4.
Variant type: single nucleotide variant.
Coding change: c.4469C>T on transcript NM_003737.4 (MANE Select); coding-DNA position 4469, C replaced by T.
Protein change: p.Ala1490Val; replaces alanine 1490 with valine.
Molecular consequence: missense variant.
Genome position (GRCh38, 1-based): chr11:6,630,325, G>A on the plus strand (C>T on the coding strand, the complement: DCHS1 is on the minus strand). VCF-style: chr11-6630325-G-A. GRCh37 (hg19) VCF-style: chr11-6651556-G-A.
Other names: short protein forms A1490V.
Identifiers: ClinVar variation 1393317 (VCV001393317.7), dbSNP rs746596862, ClinGen allele CA379404757.
Genomic context (GRCh38, chr11:6,630,325, plus strand): 5'-AGCAGCGCGGGAGTGGTCTCTCGGTCCAGGCCGCGCGGAGCGCTGAGCGCCCCGGTGCGC[G>A]CGTCCAGGCGAAGCGCCGGCACGGGCGGCTCCTGGCGCAGCAGGCGGTAGCGCACGTCGC-3'
Protein context (NP_003728.1, residues 1480-1500): EPPVPALRLD[Ala1490Val]RTGALSAPRG